The following is an entry in ClinVar:

NM_002775.5(HTRA1):c.472+2T>C

Gene: HTRA1 (HtrA serine peptidase 1; plus strand). Cytogenetic location: 10q26.13.
Variant type: single nucleotide variant.
Coding change: c.472+2T>C on transcript NM_002775.5 (MANE Select); the canonical splice donor site of the intron after coding-DNA position 472, T replaced by C.
Molecular consequence: splice donor variant.
Genome position (GRCh38, 1-based): chr10:122,462,126, T>C. VCF-style: chr10-122462126-T-C. GRCh37 (hg19) VCF-style: chr10-124221642-T-C.
Identifiers: ClinVar variation 1973808 (VCV001973808.6), dbSNP rs1591022148, ClinGen allele CA378606530.
Genomic context (GRCh38, chr10:122,462,126, plus strand): 5'-CTCCGAGAGGCTGCACCGGCCGCCGGTCATCGTCCTGCAGCGCGGAGCCTGCGGCCAAGG[T>C]ACTCCGCCGCGCTCCTGGGCAGCTCCCCACTCTCTCCATCCCAGCTCGGACCTGCTTCTG-3'

ClinVar aggregate classification (germline): Pathogenic/Likely pathogenic. Review status: criteria provided, multiple submitters, no conflicts (2 of 4 stars). 2 submissions from 2 submitters: Pathogenic (1); Likely pathogenic (1). Last evaluated 2026-03-22.

Allele frequency attached by ClinVar (database versions not stated): TOPMed below 0.00001.

Submissions (2):

GeneDx
Classification: Pathogenic. Last evaluated: 2026-03-22. Review status: criteria provided, single submitter. Criteria: GeneDx Variant Classification Process June 2021. Collection method: clinical testing. Allele origin: germline.
Comment: Canonical splice site variant predicted to result in a null allele in a gene for which loss of function is a known mechanism of disease; Not observed at significant frequency in large population cohorts (gnomAD); This variant is associated with the following publications: (PMID: 29895533, 19387015, 35441934)

Labcorp Genetics (formerly Invitae), Labcorp
Classification: Likely pathogenic. Last evaluated: 2022-08-21. Review status: criteria provided, single submitter. Criteria: Invitae Variant Classification Sherloc (09022015). Collection method: clinical testing. Allele origin: germline.
Comment: This variant is not present in population databases (gnomAD no frequency). This sequence change affects a donor splice site in intron 1 of the HTRA1 gene. It is expected to disrupt RNA splicing. Variants that disrupt the donor or acceptor splice site typically lead to a loss of protein function (PMID: 16199547), and loss-of-function variants in HTRA1 are known to be pathogenic (PMID: 19387015, 29895533). This variant has not been reported in the literature in individuals affected with HTRA1-related conditions. In summary, the currently available evidence indicates that the variant is pathogenic, but additional data are needed to prove that conclusively. Therefore, this variant has been classified as Likely Pathogenic. Algorithms developed to predict the effect of sequence changes on RNA splicing suggest that this variant may disrupt the consensus splice site.

Literature cited by the submitters: PubMed 16199547 (cited by Labcorp Genetics (formerly Invitae), Labcorp); PubMed 19387015 (cited by Labcorp Genetics (formerly Invitae), Labcorp); PubMed 29895533 (cited by Labcorp Genetics (formerly Invitae), Labcorp).